The following is an entry in ClinVar:

NM_031935.3(HMCN1):c.7156A>G (p.Ile2386Val)

Gene: HMCN1 (hemicentin 1; plus strand). Cytogenetic location: 1q31.1.
Variant type: single nucleotide variant.
Coding change: c.7156A>G on transcript NM_031935.3 (MANE Select); coding-DNA position 7156, A replaced by G.
Protein change: p.Ile2386Val; replaces isoleucine 2386 with valine.
Molecular consequence: missense variant.
Genome position (GRCh38, 1-based): chr1:186,057,245, A>G. VCF-style: chr1-186057245-A-G. GRCh37 (hg19) VCF-style: chr1-186026377-A-G.
Other names: c.7156A>G (NM_031935.2); short protein forms I2386V.
Identifiers: ClinVar variation 1353902 (VCV001353902.7), dbSNP rs1167111929, ClinGen allele CA343903424.
Genomic context (GRCh38, chr1:186,057,245, plus strand): 5'-TCAGGCAACTAATATTTCCATTCCCTGTTTGTTTTATTTTGTCTTACAGCTCCTCCAAGC[A>G]TCATAGGAAACCACAGGTCACCTGAAAATATTAGTGTGGTAGAAAAGAACTCAGTATCTT-3'
Protein context (NP_114141.2, residues 2376-2396): YDLSVHAPPS[Ile2386Val]IGNHRSPENI

ClinVar aggregate classification (germline): Uncertain significance. Review status: criteria provided, multiple submitters, no conflicts (2 of 4 stars). 3 submissions from 3 submitters: Uncertain significance (3). Last evaluated 2023-08-10.

Conditions:
Age related macular degeneration 1 (ARMD1). Also called: MACULOPATHY, AGE-RELATED, 1. Identifiers: MedGen C1864205, MONDO:0011285, OMIM 603075.

Allele frequency attached by ClinVar (database versions not stated): gnomAD exomes below 0.00001 and 0.00001; TOPMed below 0.00001; gnomAD 0.00001.
gnomAD v4.1: 6 of 1,611,226 alleles (0.00037%); highest among the groups gnomAD compares: Admixed American, 0.005%; no homozygotes.

Submissions (3):

Labcorp Genetics (formerly Invitae), Labcorp
Classification: Uncertain significance. Last evaluated: 2023-08-10. Review status: criteria provided, single submitter. Criteria: Invitae Variant Classification Sherloc (09022015). Collection method: clinical testing. Allele origin: germline.
Comment: This variant has not been reported in the literature in individuals affected with HMCN1-related conditions. This sequence change replaces isoleucine, which is neutral and non-polar, with valine, which is neutral and non-polar, at codon 2386 of the HMCN1 protein (p.Ile2386Val). This variant is present in population databases (no rsID available, gnomAD 0.003%). ClinVar contains an entry for this variant (Variation ID: 1353902). An algorithm developed to predict the effect of missense changes on protein structure and function (PolyPhen-2) suggests that this variant is likely to be disruptive. In summary, the available evidence is currently insufficient to determine the role of this variant in disease. Therefore, it has been classified as a Variant of Uncertain Significance.

Genome-Nilou Lab
Classification: Uncertain significance for Age related macular degeneration 1. Last evaluated: 2023-04-11. Review status: criteria provided, single submitter. Criteria: ACMG Guidelines, 2015. Collection method: clinical testing. Allele origin: germline. Affected: no.

Ambry Genetics
Classification: Uncertain significance. Last evaluated: 2022-11-21. Review status: criteria provided, single submitter. Criteria: Ambry Variant Classification Scheme 2023. Collection method: clinical testing. Allele origin: germline.